The following is an entry in ClinVar:

ClinVar aggregate classification (germline): Conflicting classifications of pathogenicity. Review status: criteria provided, conflicting classifications (1 of 4 stars). 2 submissions from 2 submitters: Likely pathogenic (1); Uncertain significance (1). Last evaluated 2025-02-10.

Conditions:
Mitochondrial DNA depletion syndrome, hepatocerebral form. Identifiers: Orphanet 254871, MedGen C3711385, MONDO:0100512.
Mitochondrial DNA depletion syndrome 6 (hepatocerebral type). Also called: Mitochondrial DNA depletion syndrome type 6; Navajo neurohepatopathy; NAVAJO NEUROPATHY. Identifiers: Orphanet 255229, MedGen C1850406, MONDO:0009747, OMIM 256810.

Submissions (2):

Natera, Inc.
Classification: Likely pathogenic for Mitochondrial DNA depletion syndrome, hepatocerebral form. Last evaluated: 2025-02-10. Review status: criteria provided, single submitter. Criteria: Natera Variant Classification Schema (03/2026). Collection method: clinical testing. Allele origin: germline.
Comment: The c.234_242delTGGCACCAC variant in MPV17 is an in-frame deletion. This variant is rare in the general population with a frequency below the threshold expected for the associated phenotype(s). This variant has been observed in one or more individuals affected with the associated recessive disease, as either homozygous or compound heterozygous with a second variant (PMID: 17694548). This variant results in a change to the protein length while preserving reading frame, which may disrupt normal protein structure or function. Given the available evidence, this variant is classified as Likely Pathogenic.

SIB Swiss Institute of Bioinformatics
Classification: Uncertain significance for Mitochondrial DNA depletion syndrome 6 (hepatocerebral type). Last evaluated: 2019-08-13. Review status: criteria provided, single submitter. Criteria: ACMG Guidelines, 2015. Collection method: curation. Allele origin: unknown.
Comment: This variant is interpreted as a variant of uncertain significance for Mitochondrial DNA depletion syndrome 6, autosomal recessive. The following ACMG Tag(s) were applied: PM2, PM3.

Literature cited by the submitters: PubMed 17694548 (cited by Natera, Inc. and SIB Swiss Institute of Bioinformatics).

NM_002437.5(MPV17):c.234_242del (p.Gly79_Thr81del)

Gene: MPV17 (mitochondrial inner membrane protein MPV17; minus strand). Cytogenetic location: 2p23.3.
Variant type: Deletion.
Coding change: c.234_242del on transcript NM_002437.5 (MANE Select); coding-DNA positions 234 to 242, 9 bases deleted (TGGCACCAC; older notation c.234_242delTGGCACCAC).
Protein change: p.Gly79_Thr81del.
Molecular consequence: inframe deletion.
Genome position (GRCh38, 1-based): chr2:27,312,717-27,312,725, GTGGTGCCA deleted on the plus strand (TGGCACCAC on the coding strand, the reverse complement: MPV17 is on the minus strand); deleting any 9 consecutive bases within chr2:27,312,717-27,312,726 gives the same sequence; the c. name uses the placement nearest the transcript's 3' end. VCF-style (leftmost placement, unchanged base first): chr2-27312716-GGTGGTGCCA-G. GRCh37 (hg19) VCF-style: chr2-27535583-GGTGGTGCCA-G.
Other names: c.234_242delTGGCACCAC (NM_002437.4).
Identifiers: ClinVar variation 38350 (VCV000038350.5), dbSNP rs267607262, ClinGen allele CA342974.
Genomic context (GRCh38, chr2:27,312,716, plus strand): 5'-TCCCCACTCTGTTCTCCTGCTCACCTGATCCAACAACATCTTCTTCAGTGCATCCACTTT[GGTGGTGCCA>G]GGGATGAACCGATCCAAAACCTTGTACCAGCCTCCTACCACAGGGCCCTGGAAGTAAACC-3'